The following is an entry in ClinVar:

NM_000179.3(MSH6):c.3801G>A (p.Met1267Ile)

Gene: MSH6 (mutS homolog 6; plus strand). Cytogenetic location: 2p16.3.
Variant type: single nucleotide variant.
Coding change: c.3801G>A on transcript NM_000179.3 (MANE Select); coding-DNA position 3801, G replaced by A.
Protein change: p.Met1267Ile; replaces methionine 1267 with isoleucine.
Molecular consequence: missense variant.
Genome position (GRCh38, 1-based): chr2:47,806,358, G>A. VCF-style: chr2-47806358-G-A. GRCh37 (hg19) VCF-style: chr2-48033497-G-A.
Other names: c.3411G>A, p.Met1137Ile (NM_001281492.2); c.2895G>A, p.Met965Ile (NM_001281493.2, NM_001281494.2); short protein forms M1137I, M965I, M1267I.
Identifiers: ClinVar variation 923452 (VCV000923452.10), dbSNP rs1670069736, ClinGen allele CA346761200.

ClinVar aggregate classification (germline): Uncertain significance. Review status: criteria provided, multiple submitters, no conflicts (2 of 4 stars). 4 submissions from 4 submitters: Uncertain significance (3). 1 of the submissions does not count toward it. Last evaluated 2025-09-23.

Conditions:
Hereditary cancer-predisposing syndrome. Also called: Neoplastic Syndromes, Hereditary; Tumor predisposition; Hereditary Cancer Syndrome; Hereditary neoplastic syndrome. Identifiers: Orphanet 140162, MedGen C0027672, MeSH D009386, MONDO:0015356.
Hereditary nonpolyposis colorectal neoplasms. Identifiers: MedGen C0009405, MeSH D003123.
Endometrial carcinoma. Also called: Endometrial carcinoma, somatic. Identifiers: MedGen C0476089, MONDO:0002447, OMIM 608089, HP:0012114.

Allele frequency attached by ClinVar (database versions not stated): TOPMed below 0.00001.

Submissions (4):

Color Diagnostics, LLC DBA Color Health
Classification: Uncertain significance for Hereditary cancer-predisposing syndrome. Last evaluated: 2025-09-23. Review status: criteria provided, single submitter. Criteria: ACMG Guidelines, 2015. Collection method: clinical testing. Allele origin: germline.
Comment: This missense variant replaces methionine with isoleucine at codon 1267 of the MSH6 protein. Computational prediction suggests that this variant may have deleterious impact on protein structure and function. To our knowledge, functional studies have not been reported for this variant. This variant has not been reported in individuals affected with MSH6-related disorders in the literature. This variant has not been identified in the general population by the Genome Aggregation Database (gnomAD). The available evidence is insufficient to determine the role of this variant in disease conclusively. Therefore, this variant is classified as a Variant of Uncertain Significance.

Labcorp Genetics (formerly Invitae), Labcorp
Classification: Uncertain significance for Hereditary nonpolyposis colorectal neoplasms. Last evaluated: 2025-03-31. Review status: criteria provided, single submitter. Criteria: Invitae Variant Classification Sherloc (09022015). Collection method: clinical testing. Allele origin: germline.
Comment: This sequence change replaces methionine, which is neutral and non-polar, with isoleucine, which is neutral and non-polar, at codon 1267 of the MSH6 protein (p.Met1267Ile). This variant also falls at the last nucleotide of exon 8, which is part of the consensus splice site for this exon. This variant is not present in population databases (gnomAD no frequency). This variant has not been reported in the literature in individuals affected with MSH6-related conditions. ClinVar contains an entry for this variant (Variation ID: 923452). An algorithm developed to predict the effect of missense changes on protein structure and function (PolyPhen-2) suggests that this variant is likely to be disruptive. Variants that disrupt the consensus splice site are a relatively common cause of aberrant splicing (PMID: 17576681, 9536098). RNA analysis performed to evaluate the impact of this missense change on mRNA splicing indicates it does not significantly alter splicing (internal data). In summary, the available evidence is currently insufficient to determine the role of this variant in disease. Therefore, it has been classified as a Variant of Uncertain Significance.

Ambry Genetics
Classification: Uncertain significance for Hereditary cancer-predisposing syndrome. Last evaluated: 2022-02-04. Review status: criteria provided, single submitter. Criteria: Ambry Variant Classification Scheme 2023. Collection method: clinical testing. Allele origin: germline.
Comment: The p.M1267I variant (also known as c.3801G>A), located in coding exon 8 of the MSH6 gene, results from a G to A substitution at nucleotide position 3801. The amino acid change results in methionine to isoleucine at codon 1267, an amino acid with highly similar properties. However, this change occurs in the last base pair of coding exon 8, which makes it likely to have some effect on normal mRNA splicing. This nucleotide position is highly conserved in available vertebrate species. This amino acid position is highly conserved in available vertebrate species. In silico splice site analysis predicts that this alteration will not have any significant effect on splicing. In addition, this alteration is predicted to be deleterious by in silico analysis. Since supporting evidence is limited at this time, the clinical significance of this alteration remains unclear.

Department of Pathology and Laboratory Medicine, Sinai Health System
Classification: Uncertain significance for Endometrial carcinoma. Review status: no assertion criteria provided. Collection method: clinical testing. Allele origin: unknown. Affected: yes. Study: The Canadian Open Genetics Repository (COGR). Not counted in ClinVar's aggregate classification.
Comment: The MSH6 p.Met1267Ile variant was not identified in the literature nor was it identified in the dbSNP, ClinVar or UMD-LSDB databases. The variant was not identified in the following control databases: the Exome Aggregation Consortium (August 8th 2016) or the Genome Aggregation Database (Feb 27, 2017). The p.Met1267 residue is conserved in mammals and computational analyses (PolyPhen-2, SIFT, AlignGVGD, BLOSUM, MutationTaster) provide inconsistent predictions regarding the impact to the protein; this information is not very predictive of pathogenicity. The p.Met1267Ile variant occurs in the first base of the exon. This position has been shown to be part of the splicing consensus sequence and variants involving this position sometimes affect splicing. In addition, 3 of 4 in silico or computational prediction software programs (SpliceSiteFinder, MaxEntScan, NNSPLICE, GeneSplicer) predict a greater than 10% difference in splicing. In summary, based on the above information, the clinical significance of this variant cannot be determined with certainty at this time. This variant is classified as a variant of uncertain significance.

Literature cited by the submitters: PubMed 17576681 (cited by Labcorp Genetics (formerly Invitae), Labcorp); PubMed 9536098 (cited by Labcorp Genetics (formerly Invitae), Labcorp).